The following is an entry in ClinVar:

ClinVar aggregate classification (germline): Pathogenic (1 of 4 stars; one submission).

Submission:

Labcorp Genetics (formerly Invitae), Labcorp
Classification: Pathogenic. Last evaluated: 2026-01-06. Review status: criteria provided, single submitter. Criteria: Invitae Variant Classification Sherloc (09022015). Collection method: clinical testing. Allele origin: germline.
Comment: This sequence change creates a premature translational stop signal (p.Phe100Serfs*15) in the TWNK gene. It is expected to result in an absent or disrupted protein product. Loss-of-function variants in TWNK are known to be pathogenic (PMID: 21681116, 27551684, 31455392). This variant is not present in population databases (gnomAD no frequency). This variant has not been reported in the literature in individuals affected with TWNK-related conditions. For these reasons, this variant has been classified as Pathogenic.

Literature cited by the submitters: PubMed 21681116; PubMed 27551684; PubMed 31455392.

NM_021830.5(TWNK):c.297del (p.Phe100fs)

Gene: TWNK (twinkle mtDNA helicase; plus strand). Cytogenetic location: 10q24.31.
Variant type: Deletion.
Coding change: c.297del on transcript NM_021830.5 (MANE Select); coding-DNA position 297, one base deleted (C; older notation c.297delC).
Protein change: p.Phe100fs; shifts the reading frame from phenylalanine 100.
Molecular consequence: frameshift variant. On other transcripts: non-coding transcript variant (4), intron variant (3).
Genome position (GRCh38, 1-based): chr10:100,988,507, C deleted; the last of 2 consecutive C bases (chr10:100,988,506-100,988,507); deleting either gives the same sequence. VCF-style (leftmost placement, unchanged base first): chr10-100988505-TC-T. GRCh37 (hg19) VCF-style: chr10-102748262-TC-T.
Other names: c.297del, p.Phe100fs (NM_001163812.2); c.-120+894del (NM_001163814.2, NM_001163813.2); c.-58+894del (NM_001368275.1); short protein forms F100fs.
Identifiers: ClinVar variation 4764103 (VCV004764103.1).